The following is an entry in ClinVar:

NM_001961.4(EEF2):c.613-4C>T

Gene: EEF2 (eukaryotic translation elongation factor 2; minus strand). Cytogenetic location: 19p13.3.
Variant type: single nucleotide variant.
Coding change: c.613-4C>T on transcript NM_001961.4 (MANE Select); 4 bases into the intron before coding-DNA position 613, C replaced by T.
Molecular consequence: intron variant.
Genome position (GRCh38, 1-based): chr19:3,982,428, G>A on the plus strand (C>T on the coding strand, the complement: EEF2 is on the minus strand). VCF-style: chr19-3982428-G-A. GRCh37 (hg19) VCF-style: chr19-3982426-G-A.
Identifiers: ClinVar variation 3571638 (VCV003571638.1).

ClinVar aggregate classification (germline): Uncertain significance (1 of 4 stars; one submission).

gnomAD v4.1: 5 of 1,614,010 alleles (0.00031%); highest among the groups gnomAD compares: Non-Finnish European, 0.00042%; no homozygotes.

Submission:

Athena Diagnostics
Classification: Uncertain significance. Last evaluated: 2024-08-30. Review status: criteria provided, single submitter. Criteria: Athena Diagnostics Criteria. Collection method: clinical testing. Allele origin: unknown.
Comment: Available data are insufficient to determine the clinical significance of the variant at this time. This variant has not been reported in large, multi-ethnic general populations. Computational tools yielded predictions that this variant is unlikely to have an effect on normal RNA splicing.